The following is an entry in ClinVar:

ClinVar aggregate classification (germline): Uncertain significance (1 of 4 stars; one submission).

Conditions:
Hereditary cancer-predisposing syndrome. Also called: Tumor predisposition; Neoplastic Syndromes, Hereditary; Hereditary neoplastic syndrome; Hereditary Cancer Syndrome. Identifiers: Orphanet 140162, MedGen C0027672, MeSH D009386, MONDO:0015356.

Submission:

Ambry Genetics
Classification: Uncertain significance for Hereditary cancer-predisposing syndrome. Last evaluated: 2024-09-22. Review status: criteria provided, single submitter. Criteria: Ambry Variant Classification Scheme 2023. Collection method: clinical testing. Allele origin: germline.
Comment: The p.S407C variant (also known as c.1220C>G), located in coding exon 5 of the AXIN2 gene, results from a C to G substitution at nucleotide position 1220. The serine at codon 407 is replaced by cysteine, an amino acid with dissimilar properties. This amino acid position is conserved. In addition, this alteration is predicted to be tolerated by in silico analysis. Based on the available evidence, the clinical significance of this variant remains unclear.

NM_004655.4(AXIN2):c.1220C>G (p.Ser407Cys)

Gene: AXIN2 (axin 2; minus strand). Cytogenetic location: 17q24.1.
Variant type: single nucleotide variant.
Coding change: c.1220C>G on transcript NM_004655.4 (MANE Select); coding-DNA position 1220, C replaced by G.
Protein change: p.Ser407Cys; replaces serine 407 with cysteine.
Molecular consequence: missense variant.
Genome position (GRCh38, 1-based): chr17:65,537,816, G>C on the plus strand (C>G on the coding strand, the complement: AXIN2 is on the minus strand). VCF-style: chr17-65537816-G-C. GRCh37 (hg19) VCF-style: chr17-63533934-G-C.
Other names: c.1220C>G, p.Ser407Cys (NM_001363813.1); short protein forms S407C.
Identifiers: ClinVar variation 3470440 (VCV003470440.1).